The following is an entry in ClinVar:

NM_001429.4(EP300):c.52C>G (p.Leu18Val)

Genes: EP300 (EP300 lysine acetyltransferase; plus strand), LOC130067530 (ATAC-STARR-seq lymphoblastoid active region 19106; plus strand). Cytogenetic location: 22q13.2.
Variant type: single nucleotide variant.
Coding change: c.52C>G on transcript NM_001429.4 (MANE Select); coding-DNA position 52, C replaced by G.
Protein change: p.Leu18Val; replaces leucine 18 with valine.
Molecular consequence: missense variant.
Genome position (GRCh38, 1-based): chr22:41,093,056, C>G. VCF-style: chr22-41093056-C-G. GRCh37 (hg19) VCF-style: chr22-41489060-C-G.
Other names: c.52C>G, p.Leu18Val (NM_001362843.2); c.52C>G (NM_001429.3); short protein forms L18V.
Identifiers: ClinVar variation 3661913 (VCV003661913.3).
Genomic context (GRCh38, chr22:41,093,056, plus strand): 5'-GAATTAAAAATGGCCGAGAATGTGGTGGAACCGGGGCCGCCTTCAGCCAAGCGGCCTAAA[C>G]TCTCATCTCCGGCCCTCTCGGCGTCCGCCAGCGATGGCACAGGTTAGTTTCGGCAGCCCC-3'
Protein context (NP_001420.2, residues 8-28): PGPPSAKRPK[Leu18Val]SSPALSASAS

ClinVar aggregate classification (germline): Conflicting classifications of pathogenicity. Review status: criteria provided, conflicting classifications (1 of 4 stars). 2 submissions from 2 submitters: Uncertain significance (1); Likely benign (1). Last evaluated 2026-07-29.

Conditions:
EP300-related disorder. Also called: EP300-related disorders; EP300-related condition.
Rubinstein-Taybi syndrome due to EP300 haploinsufficiency. Also called: EP300-Related Rubinstein-Taybi Syndrome; RUBINSTEIN-TAYBI SYNDROME 2. Identifiers: Orphanet 353284, Orphanet 783, MedGen C3150941, MONDO:0013364, OMIM 613684.

Submissions (2):

PreventionGenetics, part of Exact Sciences
Classification: Uncertain significance for EP300-related condition. Last evaluated: 2026-07-29. Review status: criteria provided, single submitter. Criteria: ACMG Guidelines, 2015. Collection method: clinical testing. Allele origin: germline.
Comment: The EP300 c.52C>G variant is predicted to result in the amino acid substitution p.Leu18Val. To our knowledge, this variant has not been reported in the literature. This variant is reported in 0.00088% of alleles in individuals of European (Non-Finnish) descent in gnomAD. At this time, the clinical significance of this variant is uncertain due to the absence of conclusive functional and genetic evidence.

Labcorp Genetics (formerly Invitae), Labcorp
Classification: Likely benign for Rubinstein-Taybi syndrome due to EP300 haploinsufficiency. Last evaluated: 2025-01-07. Review status: criteria provided, single submitter. Criteria: Invitae Variant Classification Sherloc (09022015). Collection method: clinical testing. Allele origin: germline.